The following is an entry in ClinVar:

ClinVar aggregate classification (germline): Uncertain significance (1 of 4 stars; one submission).

Conditions:
Autosomal dominant nocturnal frontal lobe epilepsy 5. Also called: Epilepsy, nocturnal frontal lobe, 5; CILIARY DYSKINESIA, PRIMARY, 28, WITHOUT SITUS INVERSUS; CILIARY DYSKINESIA, PRIMARY, 28, WITH SITUS INVERSUS; KCNT1-Related Epilepsy. Identifiers: Orphanet 98784, MedGen C3554306, MONDO:0014002, OMIM 615005.
Developmental and epileptic encephalopathy, 14 (DEE14). Also called: Early infantile epileptic encephalopathy 14. Identifiers: Orphanet 293181, MedGen C3554195, MONDO:0013989, OMIM 614959.

Allele frequency attached by ClinVar (database versions not stated): gnomAD exomes below 0.00001.
gnomAD v4.1: 1 of 1,614,104 alleles (0.000062%); highest among the groups gnomAD compares: Non-Finnish European, 0.000085%; no homozygotes.

Submission:

Labcorp Genetics (formerly Invitae), Labcorp
Classification: Uncertain significance for Autosomal dominant nocturnal frontal lobe epilepsy 5; Developmental and epileptic encephalopathy, 14. Last evaluated: 2021-05-20. Review status: criteria provided, single submitter. Criteria: Invitae Variant Classification Sherloc (09022015). Collection method: clinical testing. Allele origin: germline.
Comment: In summary, the available evidence is currently insufficient to determine the role of this variant in disease. Therefore, it has been classified as a Variant of Uncertain Significance. Advanced modeling of protein sequence and biophysical properties (such as structural, functional, and spatial information, amino acid conservation, physicochemical variation, residue mobility, and thermodynamic stability) performed at Invitae indicates that this missense variant is not expected to disrupt KCNT1 protein function. This variant has not been reported in the literature in individuals with KCNT1-related conditions. This variant is not present in population databases (ExAC no frequency). This sequence change replaces serine with phenylalanine at codon 159 of the KCNT1 protein (p.Ser159Phe). The serine residue is moderately conserved and there is a large physicochemical difference between serine and phenylalanine.

NM_020822.3(KCNT1):c.476C>T (p.Ser159Phe)

Gene: KCNT1 (potassium sodium-activated channel subfamily T member 1; plus strand). Cytogenetic location: 9q34.3.
Variant type: single nucleotide variant.
Coding change: c.476C>T on transcript NM_020822.3 (MANE Select); coding-DNA position 476, C replaced by T.
Protein change: p.Ser159Phe; replaces serine 159 with phenylalanine.
Molecular consequence: missense variant.
Genome position (GRCh38, 1-based): chr9:135,753,978, C>T. VCF-style: chr9-135753978-C-T. GRCh37 (hg19) VCF-style: chr9-138645824-C-T.
Other names: c.332C>T, p.Ser111Phe (NM_001272003.2); short protein forms S111F, S159F.
Identifiers: ClinVar variation 1352542 (VCV001352542.8), dbSNP rs2131422984, ClinGen allele CA375495889.
Genomic context (GRCh38, chr9:135,753,978, plus strand): 5'-GCGCTGTGTCTCTCCACAGCTGGGGCTGCCCAAAGCAGAACTACTCCTTCAATGACTCGT[C>T]CTCCGAGATCAACTGGTGAGTCCACACTCCAGCTCCCAATAGCCAGGCGCTCAGAGGCCT-3'
Protein context (NP_065873.2, residues 149-169): PKQNYSFNDS[Ser159Phe]SEINWAPILW